The following is an entry in ClinVar:

NM_001267550.2(TTN):c.14613C>G (p.Asn4871Lys)

Gene: TTN (titin; minus strand). Cytogenetic location: 2q31.2.
Variant type: single nucleotide variant.
Coding change: c.14613C>G on transcript NM_001267550.2 (MANE Select); coding-DNA position 14613, C replaced by G.
Protein change: p.Asn4871Lys; replaces asparagine 4871 with lysine.
Molecular consequence: missense variant. On other transcripts: intron variant (3).
Genome position (GRCh38, 1-based): chr2:178,735,833, G>C on the plus strand (C>G on the coding strand, the complement: TTN is on the minus strand). VCF-style: chr2-178735833-G-C. GRCh37 (hg19) VCF-style: chr2-179600560-G-C.
Other names: c.13662C>G, p.Asn4554Lys (NM_001256850.1); c.10881C>G, p.Asn3627Lys (NM_133378.4); c.13282+2249C>G (NM_003319.4); c.13858+2249C>G (NM_133437.4); c.13657+2249C>G (NM_133432.3); short protein forms N3627K, N4554K, N4871K.
Identifiers: ClinVar variation 4979436 (VCV004979436.1).

ClinVar aggregate classification (germline): Uncertain significance (1 of 4 stars; one submission).

Conditions:
TTN-related disorder. Also called: TTN-related condition; TTN-related disease; TTN-related disorders.

Submission:

PreventionGenetics, part of Exact Sciences
Classification: Uncertain significance for TTN-related condition. Last evaluated: 2026-03-18. Review status: criteria provided, single submitter. Criteria: ACMG Guidelines, 2015. Collection method: clinical testing. Allele origin: germline.
Comment: The TTN c.14613C>G variant is predicted to result in the amino acid substitution p.Asn4871Lys. To our knowledge, this variant has not been reported in the literature. This variant is reported in 0.00089% of alleles in individuals of European (Non-Finnish) descent in gnomAD. At this time, the clinical significance of this variant is uncertain due to the absence of conclusive functional and genetic evidence.